The following is an entry in ClinVar:

NM_000091.5(COL4A3):c.3566-9T>C

Genes: COL4A3 (collagen type IV alpha 3 chain; plus strand), MFF-DT (MFF divergent transcript; minus strand). Cytogenetic location: 2q36.3.
Variant type: single nucleotide variant.
Coding change: c.3566-9T>C on transcript NM_000091.5 (MANE Select); 9 bases into the intron before coding-DNA position 3566, T replaced by C.
Molecular consequence: intron variant.
Genome position (GRCh38, 1-based): chr2:227,297,665, T>C. VCF-style: chr2-227297665-T-C. GRCh37 (hg19) VCF-style: chr2-228162381-T-C.
Other names: p.?.
Identifiers: ClinVar variation 334775 (VCV000334775.26), dbSNP rs147886850, ClinGen allele CA2147301.
Genomic context (GRCh38, chr2:227,297,665, plus strand): 5'-AAGATAGTCAAGAACTCTAACCCAAGCATATGGGCATTAAAGAAACTTATTAAGCCTTCT[T>C]CTTTGCAGGAGCCAAAGGAGACAGGGGAGCCCCAGGTTTTCCTGGCCTCCCGGGCAGAAA-3'

ClinVar aggregate classification (germline): Conflicting classifications of pathogenicity. Review status: criteria provided, conflicting classifications (1 of 4 stars). 10 submissions from 10 submitters: Uncertain significance (1); Benign (2); Likely benign (4). 3 of the submissions do not count toward it. Last evaluated 2026-02-02.

Conditions:
Alport syndrome. Also called: Hemorrhagic familial nephritis; Hemorrhagic hereditary nephritis; Congenital hereditary hematuria. Identifiers: Orphanet 63, MedGen C1567741, MONDO:0018965.

Allele frequency attached by ClinVar (database versions not stated): 1000 Genomes Project 0.00100; 1000 Genomes Project 30x 0.00125; gnomAD exomes 0.00126 and 0.00298; ExAC 0.00149; gnomAD 0.00184 and 0.00192; TOPMed 0.00198; ESP Exome Variant Server 0.00203.
gnomAD v4.1: 4,605 of 1,603,104 alleles (0.29%); highest among the groups gnomAD compares: Non-Finnish European, 0.37%; 4 homozygotes.

Submissions (10):

Labcorp Genetics (formerly Invitae), Labcorp
Classification: Benign. Last evaluated: 2026-02-02. Review status: criteria provided, single submitter. Criteria: Invitae Variant Classification Sherloc (09022015). Collection method: clinical testing. Allele origin: germline.

Mayo Clinic Laboratories, Mayo Clinic
Classification: Likely benign. Last evaluated: 2025-07-19. Review status: criteria provided, single submitter. Criteria: ACMG Guidelines, 2015. Collection method: clinical testing. Allele origin: germline. Observed: 3 variant alleles.
Comment: BP4, BP7

Blueprint Genetics
Classification: Likely benign. Last evaluated: 2024-11-26. Review status: criteria provided, single submitter. Criteria: ACMG Guidelines, 2015. Collection method: clinical testing. Allele origin: germline.

ARUP Laboratories, Molecular Genetics and Genomics, ARUP Laboratories
Classification: Likely benign. Last evaluated: 2023-10-23. Review status: criteria provided, single submitter. Criteria: ARUP Molecular Germline Variant Investigation Process 2024. Collection method: clinical testing. Allele origin: germline.

GeneDx
Classification: Likely benign. Last evaluated: 2020-10-29. Review status: criteria provided, single submitter. Criteria: GeneDx Variant Classification Process June 2021. Collection method: clinical testing. Allele origin: germline. Affected: yes.

Athena Diagnostics
Classification: Benign. Last evaluated: 2018-06-13. Review status: criteria provided, single submitter. Criteria: Athena Diagnostics Criteria. Collection method: clinical testing. Allele origin: germline.

Illumina Laboratory Services, Illumina
Classification: Uncertain significance for Alport syndrome. Last evaluated: 2018-01-12. Review status: criteria provided, single submitter. Criteria: ICSL Variant Classification Criteria 13 December 2019. Collection method: clinical testing. Allele origin: germline.

Natera, Inc.
Classification: Uncertain significance for Alport syndrome. Last evaluated: 2019-11-11. Review status: no assertion criteria provided. Collection method: clinical testing. Allele origin: germline. Not counted in ClinVar's aggregate classification.

Clinical Genetics DNA and cytogenetics Diagnostics Lab, Erasmus MC, Erasmus Medical Center
Classification: Likely benign. Review status: no assertion criteria provided. Collection method: clinical testing. Allele origin: germline. Affected: yes. Study: VKGL Data-share Consensus. Not counted in ClinVar's aggregate classification.

Genome Diagnostics Laboratory, University Medical Center Utrecht
Classification: Likely benign. Review status: no assertion criteria provided. Collection method: clinical testing. Allele origin: germline. Affected: yes. Study: VKGL Data-share Consensus. Not counted in ClinVar's aggregate classification.